The following is an entry in ClinVar:

NM_173494.2(DNAAF6):c.32T>C (p.Met11Thr)

Gene: DNAAF6 (dynein axonemal assembly factor 6; plus strand). Cytogenetic location: Xq22.3.
Variant type: single nucleotide variant.
Coding change: c.32T>C on transcript NM_173494.2 (MANE Select); coding-DNA position 32, T replaced by C.
Protein change: p.Met11Thr; replaces methionine 11 with threonine.
Molecular consequence: missense variant.
Genome position (GRCh38, 1-based): chrX:107,212,907, T>C. VCF-style: chrX-107212907-T-C. GRCh37 (hg19) VCF-style: chrX-106456137-T-C.
Other names: c.32T>C, p.Met11Thr (NM_001169154.2); short protein forms M11T.
Identifiers: ClinVar variation 3614785 (VCV003614785.2).
Genomic context (GRCh38, chrX:107,212,907, plus strand): 5'-CTCTTTCTGATTATCTTTTTCTTCAGATAATGGAATCTGAAAATATGGATTCTGAAAATA[T>C]GAAGACAGAAAATATGGAATCTCAAAATGTAGACTTTGAGAGTGTTTCTTCAGTTACAGC-3'
Protein context (NP_775765.1, residues 1-21): MESENMDSEN[Met11Thr]KTENMESQNV

ClinVar aggregate classification (germline): Uncertain significance (1 of 4 stars; one submission).

Submission:

Labcorp Genetics (formerly Invitae), Labcorp
Classification: Uncertain significance. Last evaluated: 2024-03-29. Review status: criteria provided, single submitter. Criteria: Invitae Variant Classification Sherloc (09022015). Collection method: clinical testing. Allele origin: germline.
Comment: This sequence change replaces methionine, which is neutral and non-polar, with threonine, which is neutral and polar, at codon 11 of the PIH1D3 protein (p.Met11Thr). This variant is present in population databases (rs373272343, gnomAD 0.009%). This missense change has been observed in individual(s) with features of Primary Ciliary Dyskinesia (Invitae). An algorithm developed to predict the effect of missense changes on protein structure and function (PolyPhen-2) suggests that this variant is likely to be disruptive. In summary, the available evidence is currently insufficient to determine the role of this variant in disease. Therefore, it has been classified as a Variant of Uncertain Significance.